The following is an entry in ClinVar:

NM_001042681.2(RERE):c.1203+3G>A

Gene: RERE (arginine-glutamic acid dipeptide repeats; minus strand). Cytogenetic location: 1p36.23.
Variant type: single nucleotide variant.
Coding change: c.1203+3G>A on transcript NM_001042681.2 (MANE Select); 3 bases into the intron after coding-DNA position 1203, G replaced by A.
Molecular consequence: intron variant.
Genome position (GRCh38, 1-based): chr1:8,465,922, C>T on the plus strand (G>A on the coding strand, the complement: RERE is on the minus strand). VCF-style: chr1-8465922-C-T. GRCh37 (hg19) VCF-style: chr1-8525982-C-T.
Other names: c.1203+3G>A (NM_012102.4).
Identifiers: ClinVar variation 3624982 (VCV003624982.2).

ClinVar aggregate classification (germline): Uncertain significance (1 of 4 stars; one submission).

gnomAD v4.1: 8 of 1,613,696 alleles (0.0005%); highest among the groups gnomAD compares: African/African-American, 0.0013%; no homozygotes.

Submission:

Labcorp Genetics (formerly Invitae), Labcorp
Classification: Uncertain significance. Last evaluated: 2024-04-22. Review status: criteria provided, single submitter. Criteria: Invitae Variant Classification Sherloc (09022015). Collection method: clinical testing. Allele origin: germline.
Comment: This sequence change falls in intron 12 of the RERE gene. It does not directly change the encoded amino acid sequence of the RERE protein. It affects a nucleotide within the consensus splice site. This variant is present in population databases (rs758824401, gnomAD 0.002%). This variant has not been reported in the literature in individuals affected with RERE-related conditions. Variants that disrupt the consensus splice site are a relatively common cause of aberrant splicing (PMID: 17576681, 9536098). Algorithms developed to predict the effect of sequence changes on RNA splicing suggest that this variant is not likely to affect RNA splicing. In summary, the available evidence is currently insufficient to determine the role of this variant in disease. Therefore, it has been classified as a Variant of Uncertain Significance.

Literature cited by the submitters: PubMed 17576681; PubMed 9536098.